The following is an entry in ClinVar:

NM_015650.4(TRAF3IP1):c.326A>C (p.Gln109Pro)

Gene: TRAF3IP1 (TRAF3 interacting protein 1; plus strand). Cytogenetic location: 2q37.3.
Variant type: single nucleotide variant.
Coding change: c.326A>C on transcript NM_015650.4 (MANE Select); coding-DNA position 326, A replaced by C.
Protein change: p.Gln109Pro; replaces glutamine 109 with proline.
Molecular consequence: missense variant.
Genome position (GRCh38, 1-based): chr2:238,325,942, A>C. VCF-style: chr2-238325942-A-C. GRCh37 (hg19) VCF-style: chr2-239234583-A-C.
Other names: c.326A>C, p.Gln109Pro (NM_001139490.1); short protein forms Q109P.
Identifiers: ClinVar variation 1007214 (VCV001007214.8), dbSNP rs1406745027, ClinGen allele CA351242610.

ClinVar aggregate classification (germline): Uncertain significance (1 of 4 stars; one submission).

Allele frequency attached by ClinVar (database versions not stated): gnomAD exomes below 0.00001.
gnomAD v4.1: 1 of 1,613,460 alleles (0.000062%); highest among the groups gnomAD compares: Admixed American, 0.0017%; no homozygotes.

Submission:

Labcorp Genetics (formerly Invitae), Labcorp
Classification: Uncertain significance. Last evaluated: 2020-07-09. Review status: criteria provided, single submitter. Criteria: Invitae Variant Classification Sherloc (09022015). Collection method: clinical testing. Allele origin: germline.
Comment: In summary, the available evidence is currently insufficient to determine the role of this variant in disease. Therefore, it has been classified as a Variant of Uncertain Significance. Algorithms developed to predict the effect of missense changes on protein structure and function (SIFT, PolyPhen-2, Align-GVGD) all suggest that this variant is likely to be disruptive, but these predictions have not been confirmed by published functional studies and their clinical significance is uncertain. This variant has not been reported in the literature in individuals with TRAF3IP1-related conditions. This variant is not present in population databases (ExAC no frequency). This sequence change replaces glutamine with proline at codon 109 of the TRAF3IP1 protein (p.Gln109Pro). The glutamine residue is highly conserved and there is a moderate physicochemical difference between glutamine and proline.